The following is an entry in ClinVar:

NM_000051.4(ATM):c.4067A>C (p.Asn1356Thr)

Gene: ATM (ATM serine/threonine kinase; plus strand). Cytogenetic location: 11q22.3.
Variant type: single nucleotide variant.
Coding change: c.4067A>C on transcript NM_000051.4 (MANE Select); coding-DNA position 4067, A replaced by C.
Protein change: p.Asn1356Thr; replaces asparagine 1356 with threonine.
Molecular consequence: missense variant.
Genome position (GRCh38, 1-based): chr11:108,287,673, A>C. VCF-style: chr11-108287673-A-C. GRCh37 (hg19) VCF-style: chr11-108158400-A-C.
Other names: c.4067A>C, p.Asn1356Thr (NM_001351834.2); short protein forms N1356T.
Identifiers: ClinVar variation 1059019 (VCV001059019.11), dbSNP rs2135736874, ClinGen allele CA382528104.
Genomic context (GRCh38, chr11:108,287,673, plus strand): 5'-TCATTAGTAATTTACCAGAGATTGTGGTGGAGTTATTGATGACGTTACATGAGCCAGCAA[A>C]TTCTAGTGCCAGTCAGAGCACTGACCTCTGTGACTTTTCAGGGTATGTACATTTTAAACT-3'
Protein context (NP_000042.3, residues 1346-1366): ELLMTLHEPA[Asn1356Thr]SSASQSTDLC

ClinVar aggregate classification (germline): Conflicting classifications of pathogenicity. Review status: criteria provided, conflicting classifications (1 of 4 stars). 2 submissions from 2 submitters: Uncertain significance (1); Likely benign (1). Last evaluated 2020-07-28.

Conditions:
Hereditary cancer-predisposing syndrome. Also called: Tumor predisposition; Neoplastic Syndromes, Hereditary; Hereditary Cancer Syndrome; Hereditary neoplastic syndrome. Identifiers: Orphanet 140162, MedGen C0027672, MeSH D009386, MONDO:0015356.
Ataxia-telangiectasia syndrome (AT). Also called: ATAXIA-TELANGIECTASIA, FRESNO VARIANT; Ataxia-telangiectasia, complementation group D; AT, COMPLEMENTATION GROUP C; Ataxia-telangiectasia; Ataxia-telangiectasia, complementation group E; Ataxia telangiectasia (A-T). Identifiers: Orphanet 100, MedGen C0004135, MONDO:0008840, OMIM 208900.

Submissions (2):

Ambry Genetics
Classification: Likely benign for Hereditary cancer-predisposing syndrome. Last evaluated: 2020-07-28. Review status: criteria provided, single submitter. Criteria: Ambry Variant Classification Scheme 2023. Collection method: clinical testing. Allele origin: germline.

Labcorp Genetics (formerly Invitae), Labcorp
Classification: Uncertain significance for Ataxia-telangiectasia syndrome. Last evaluated: 2020-04-17. Review status: criteria provided, single submitter. Criteria: Invitae Variant Classification Sherloc (09022015). Collection method: clinical testing. Allele origin: germline.
Comment: In summary, the available evidence is currently insufficient to determine the role of this variant in disease. Therefore, it has been classified as a Variant of Uncertain Significance. Algorithms developed to predict the effect of missense changes on protein structure and function output the following: SIFT: "Tolerated"; PolyPhen-2: "Benign"; Align-GVGD: "Class C0". The threonine amino acid residue is found in multiple mammalian species, suggesting that this missense change does not adversely affect protein function. These predictions have not been confirmed by published functional studies and their clinical significance is uncertain. This variant has not been reported in the literature in individuals with ATM-related conditions. This variant is not present in population databases (ExAC no frequency). This sequence change replaces asparagine with threonine at codon 1356 of the ATM protein (p.Asn1356Thr). The asparagine residue is weakly conserved and there is a small physicochemical difference between asparagine and threonine.